The following is an entry in ClinVar:

ClinVar aggregate classification (germline): Uncertain significance (1 of 4 stars; one submission).

Conditions:
Bifunctional peroxisomal enzyme deficiency (DBIF). Also called: DBP DEFICIENCY; D-bifunctional protein deficiency; PBFE DEFICIENCY. Identifiers: Orphanet 300, MedGen C0342870, MONDO:0009855, OMIM 261515. Disease mechanism: loss of function.

Submission:

Myriad Genetics, Inc.
Classification: Uncertain significance for Bifunctional peroxisomal enzyme deficiency. Last evaluated: 2026-05-07. Review status: criteria provided, single submitter. Criteria: Myriad Autosomal Dominant, Autosomal Recessive and X-Linked Classification Criteria (2023). Collection method: clinical testing. Allele origin: unknown.
Comment: NM_000414.3(HSD17B4):c.2067_2069delACTinsC(L690Ffs*3) is a frameshift variant classified as a variant of uncertain significance in the context of HSD17B4-related disorders. L690Ffs*3 has not been observed in cases with relevant disease. Relevant functional assessments of this variant are not available in the literature. L690Ffs*3 has not been observed in referenced population frequency databases. In summary, there is insufficient evidence to classify NM_000414.3(HSD17B4):c.2067_2069delACTinsC(L690Ffs*3) as pathogenic or benign. Please note: this variant was assessed in the context of healthy population screening.

NM_000414.4(HSD17B4):c.2067_2069delinsC (p.Leu690fs)

Gene: HSD17B4 (hydroxysteroid 17-beta dehydrogenase 4; plus strand). Cytogenetic location: 5q23.1.
Variant type: Indel.
Coding change: c.2067_2069delinsC on transcript NM_000414.4 (MANE Select); coding-DNA positions 2067 to 2069, ACT replaced by C.
Protein change: p.Leu690fs; shifts the reading frame from leucine 690.
Molecular consequence: frameshift variant. On other transcripts: non-coding transcript variant (2).
Genome position (GRCh38, 1-based): chr5:119,536,496-119,536,498, ACT replaced by C. VCF-style: chr5-119536496-ACT-C. GRCh37 (hg19) VCF-style: chr5-118872191-ACT-C.
Other names: c.2142_2144delinsC, p.Leu715fs (NM_001199291.3); c.2013_2015delinsC, p.Leu672fs (NM_001199292.2); c.1995_1997delinsC, p.Leu666fs (NM_001292027.2, NM_001374498.1); c.1647_1649delinsC, p.Leu550fs (NM_001292028.2); c.2058_2060delinsC, p.Leu687fs (NM_001374497.1); c.1740_1742delinsC, p.Leu581fs (NM_001374499.1); c.1626_1628delinsC, p.Leu543fs (NM_001374500.1); c.1656_1658delinsC, p.Leu553fs (NM_001374501.1, NM_001374502.1, NM_001374503.1); short protein forms L543fs, L672fs, L690fs, L715fs, L553fs, L666fs, L550fs, L581fs.
Identifiers: ClinVar variation 5004658 (VCV005004658.1).
Genomic context (GRCh38, chr5:119,536,496, plus strand): 5'-AAGTGGTTCTGGAAAAGTGTACCAAGGCCCTGCAAAAGGTGCTGCTGATACAACAATCAT[ACT>C]TTCAGATGAAGATTTCATGGAGGTGGTCCTGGGCAAGCTTGACCCTCAGAAGGTAATGTT-3'